The following is an entry in ClinVar:

NM_024596.5(MCPH1):c.313A>T (p.Lys105Ter)

Gene: MCPH1 (microcephalin 1; plus strand). Cytogenetic location: 8p23.1.
Variant type: single nucleotide variant.
Coding change: c.313A>T on transcript NM_024596.5 (MANE Select); coding-DNA position 313, A replaced by T.
Protein change: p.Lys105Ter; replaces lysine 105 with a stop codon.
Molecular consequence: nonsense. On other transcripts: non-coding transcript variant (1).
Genome position (GRCh38, 1-based): chr8:6,431,578, A>T. VCF-style: chr8-6431578-A-T. GRCh37 (hg19) VCF-style: chr8-6289099-A-T.
Other names: c.313A>T, p.Lys105Ter (NM_001172574.2, NM_001172575.2, NM_001322042.2 and 2 more transcripts); c.307A>T, p.Lys103Ter (NM_001322043.2); c.211A>T, p.Lys71Ter (NM_001322045.2); short protein forms K105*, K103*, K71*.
Identifiers: ClinVar variation 489240 (VCV000489240.11), dbSNP rs1424203921, ClinGen allele CA370217103.
Genomic context (GRCh38, chr8:6,431,578, plus strand): 5'-CACATTGATGAATCATTGTTCCCTGCAGCTAATATGAATGAACACTTATCAAGCCTAATT[A>T]AAAAAAAAGTAAGTACATGATTTCAATGTAGATAATGGCAATTAGGAATTTATTCGTTTT-3'

ClinVar aggregate classification (germline): Pathogenic/Likely pathogenic. Review status: criteria provided, multiple submitters, no conflicts (2 of 4 stars). 4 submissions from 4 submitters: Pathogenic (3); Likely pathogenic (1). Last evaluated 2025-06-19.

Conditions:
Microcephaly 1, primary, autosomal recessive (MCPH1). Also called: PREMATURE CHROMOSOME CONDENSATION SYNDROME; PCC SYNDROME; PREMATURE CHROMOSOME CONDENSATION WITH MICROCEPHALY AND MENTAL RETARDATION. Identifiers: Orphanet 2512, MedGen C1855081, MONDO:0009617, OMIM 251200.

Allele frequency attached by ClinVar (database versions not stated): gnomAD exomes below 0.00001.
gnomAD v4.1: 4 of 1,545,100 alleles (0.00026%); highest among the groups gnomAD compares: Admixed American, 0.0035%; no homozygotes.

Submissions (4):

Dasa
Classification: Likely pathogenic. Last evaluated: 2025-06-19. Review status: criteria provided, single submitter. Criteria: DASA Assertion Criteria. Collection method: clinical testing. Allele origin: germline.
Comment: NM_024596.5(MCPH1):c.313A>T (p.Lys105*) is a nonsense variant in MCPH1 predicted to introduce a premature termination codon and is predicted to result in an absent or altered protein product. Loss of function is an established disease mechanism for MCPH1-associated disorders. Also, this variant is rare in population databases. Based on the currently available evidence, this variant is classified as likely pathogenic.

Myriad Genetics, Inc.
Classification: Pathogenic for Microcephaly 1, primary, autosomal recessive. Last evaluated: 2024-09-12. Review status: criteria provided, single submitter. Criteria: Myriad Autosomal Dominant, Autosomal Recessive and X-Linked Classification Criteria (2023). Collection method: clinical testing. Allele origin: unknown.
Comment: NM_024596.3(MCPH1):c.313A>T(K105*) is expected to be pathogenic in the context of primary microcephaly, MCPH1-related. This variant is predicted to lead to an abnormal or absent protein product due to the creation of a premature termination codon in MCPH1, a gene where loss-of-function variants are known to be pathogenic. Please note: this variant was assessed in the context of healthy population screening.

Labcorp Genetics (formerly Invitae), Labcorp
Classification: Pathogenic. Last evaluated: 2023-05-19. Review status: criteria provided, single submitter. Criteria: Invitae Variant Classification Sherloc (09022015). Collection method: clinical testing. Allele origin: germline.
Comment: This sequence change creates a premature translational stop signal (p.Lys105*) in the MCPH1 gene. It is expected to result in an absent or disrupted protein product. Loss-of-function variants in MCPH1 are known to be pathogenic (PMID: 20978018). For these reasons, this variant has been classified as Pathogenic. ClinVar contains an entry for this variant (Variation ID: 489240). This variant has not been reported in the literature in individuals affected with MCPH1-related conditions. This variant is present in population databases (no rsID available, gnomAD 0.003%).

GeneDx
Classification: Pathogenic. Last evaluated: 2020-03-08. Review status: criteria provided, single submitter. Criteria: GeneDx Variant Classification Process June 2021. Collection method: clinical testing. Allele origin: germline. Affected: yes.
Comment: Nonsense variant predicted to result in protein truncation or nonsense mediated decay in a gene for which loss-of-function is a known mechanism of disease; Not observed at a significant frequency in large population cohorts (Lek et al., 2016); Has not been previously published as pathogenic or benign to our knowledge

Literature cited by the submitters: PubMed 20978018 (cited by Labcorp Genetics (formerly Invitae), Labcorp).